The following is an entry in ClinVar:

NM_032383.5(HPS3):c.2520G>A (p.Trp840Ter)

Genes: CP (ceruloplasmin; minus strand), HPS3 (HPS3 biogenesis of lysosomal organelles complex 2 subunit 1; plus strand). Cytogenetic location: 3q24.
Variant type: single nucleotide variant.
Coding change: c.2520G>A on transcript NM_032383.5 (MANE Select); coding-DNA position 2520, G replaced by A.
Protein change: p.Trp840Ter; replaces tryptophan 840 with a stop codon.
Molecular consequence: nonsense.
Genome position (GRCh38, 1-based): chr3:149,163,880, G>A. VCF-style: chr3-149163880-G-A. GRCh37 (hg19) VCF-style: chr3-148881667-G-A.
Other names: c.2025G>A, p.Trp675Ter (NM_001308258.2); short protein forms W675*, W840*.
Identifiers: ClinVar variation 5015581 (VCV005015581.1).

ClinVar aggregate classification (germline): Pathogenic (1 of 4 stars; one submission).

Conditions:
Hermansky-Pudlak syndrome 3 (HPS3). Identifiers: Orphanet 231512, Orphanet 79430, MedGen C3888001, MONDO:0013555, OMIM 614072.

Submission:

Myriad Genetics, Inc.
Classification: Pathogenic for Hermansky-Pudlak syndrome 3. Last evaluated: 2024-05-14. Review status: criteria provided, single submitter. Criteria: Myriad Autosomal Dominant, Autosomal Recessive and X-Linked Classification Criteria (2023). Collection method: clinical testing. Allele origin: unknown.
Comment: NM_032383.3(HPS3):c.2520G>A(W840*) is expected to be pathogenic in the context of Hermansky-Pudlak syndrome, HPS3-related. This variant is predicted to lead to an abnormal or absent protein product due to the creation of a premature termination codon in HPS3, a gene where loss-of-function variants are known to be pathogenic. Please note: this variant was assessed in the context of healthy population screening.